The following is an entry in ClinVar:

ClinVar aggregate classification (germline): Conflicting classifications of pathogenicity. Review status: criteria provided, conflicting classifications (1 of 4 stars). 4 submissions from 4 submitters: Pathogenic (1); Likely pathogenic (1); Uncertain significance (2). Last evaluated 2026-09-19.

Conditions:
Inborn genetic diseases. Identifiers: MedGen C0950123, MeSH D030342.
ATRX-related disorder. Also called: ATRX-related condition.
Alpha thalassemia-X-linked intellectual disability syndrome (ATRX). Also called: ALPHA-THALASSEMIA/MENTAL RETARDATION SYNDROME, X-LINKED; ATR, NONDELETION TYPE; ATR-X syndrome; Alpha thalassemia mental retardation syndrome, nondeletion type, X-linked; XLMR hypotonic face syndrome; X-linked alpha-thalassemia-mental retardation syndrome. Identifiers: Orphanet 847, MedGen C1845055, MONDO:0010519, OMIM 301040.

Submissions (4):

GeneDx
Classification: Pathogenic. Last evaluated: 2026-09-19. Review status: criteria provided, single submitter. Criteria: GeneDx Variant Classification Process June 2021. Collection method: clinical testing. Allele origin: germline.
Comment: Not observed at significant frequency in large population cohorts (gnomAD); In silico analysis suggests that this missense variant does not alter protein structure/function; This variant is associated with the following publications: (PMID: 35904121, 27535533)

Labcorp Genetics (formerly Invitae), Labcorp
Classification: Uncertain significance for Alpha thalassemia-X-linked intellectual disability syndrome. Last evaluated: 2023-12-06. Review status: criteria provided, single submitter. Criteria: Invitae Variant Classification Sherloc (09022015). Collection method: clinical testing. Allele origin: germline.
Comment: This sequence change replaces arginine, which is basic and polar, with glutamine, which is neutral and polar, at codon 781 of the ATRX protein (p.Arg781Gln). This variant is not present in population databases (gnomAD no frequency). This missense change has been observed in individual(s) with alpha-thalassemia X-linked intellectual disability syndrome (PMID: 35904121). ClinVar contains an entry for this variant (Variation ID: 1022948). Advanced modeling of protein sequence and biophysical properties (such as structural, functional, and spatial information, amino acid conservation, physicochemical variation, residue mobility, and thermodynamic stability) performed at Invitae indicates that this missense variant is not expected to disrupt ATRX protein function with a negative predictive value of 95%. In summary, the available evidence is currently insufficient to determine the role of this variant in disease. Therefore, it has been classified as a Variant of Uncertain Significance.

Blueprint Genetics
Classification: Likely pathogenic for ATRX-related disorders. Last evaluated: 2023-02-13. Review status: criteria provided, single submitter. Criteria: ACMG Guidelines, 2015. Collection method: clinical testing. Allele origin: germline. Affected: yes. Observed: 5 variant alleles.

Ambry Genetics
Classification: Uncertain significance for Inborn genetic diseases. Last evaluated: 2015-05-22. Review status: criteria provided, single submitter. Criteria: Ambry Variant Classification Scheme 2023. Collection method: clinical testing. Allele origin: germline.
Comment: The p.R781Q variant (also known as c.2342G>A), located in coding exon 9 of the ATRX gene, results from a G to A substitution at nucleotide position 2342. The arginine at codon 781 is replaced by glutamine, an amino acid with highly similar properties. This variant was not reported in population based cohorts in the following databases: Database of Single Nucleotide Polymorphisms (dbSNP), NHLBI Exome Sequencing Project (ESP), and 1000 Genomes Project. In the ESP, this variant was not observed in 6498 samples with coverage at this position. This amino acid position is not well conserved in available vertebrate species. In addition, the in silico prediction for this alteration is inconclusive. Since supporting evidence is limited at this time, the clinical significance of this variant remains unclear.

Literature cited by the submitters: PubMed 35904121 (cited by Labcorp Genetics (formerly Invitae), Labcorp).

NM_000489.6(ATRX):c.2342G>A (p.Arg781Gln)

Gene: ATRX (ATRX chromatin remodeler; minus strand). Cytogenetic location: Xq21.1.
Variant type: single nucleotide variant.
Coding change: c.2342G>A on transcript NM_000489.6 (MANE Select); coding-DNA position 2342, G replaced by A.
Protein change: p.Arg781Gln; replaces arginine 781 with glutamine.
Molecular consequence: missense variant.
Genome position (GRCh38, 1-based): chrX:77,682,914, C>T on the plus strand (G>A on the coding strand, the complement: ATRX is on the minus strand). VCF-style: chrX-77682914-C-T. GRCh37 (hg19) VCF-style: chrX-76938406-C-T.
Other names: c.2228G>A, p.Arg743Gln (NM_138270.5); short protein forms R743Q, R781Q.
Identifiers: ClinVar variation 1022948 (VCV001022948.16), dbSNP rs1603220762, ClinGen allele CA413712627.
Genomic context (GRCh38, chrX:77,682,914, plus strand): 5'-GAGCTCTTAGCTGATTTGCCCTTTTTAGTATCAAAATCTGAGCCAGATGTAGAACTTTTT[C>T]GTTTCCTTTTTCCTTTATCATCTTTCCCCGCCTGAGTCTTTAAATCATACAAAGTCTTAT-3'
Protein context (NP_000480.3, residues 771-791): AGKDDKGKRK[Arg781Gln]KSSTSGSDFD